The following is an entry in ClinVar:

ClinVar aggregate classification (germline): Uncertain significance (1 of 4 stars; one submission).

Submission:

Labcorp Genetics (formerly Invitae), Labcorp
Classification: Uncertain significance. Last evaluated: 2025-03-17. Review status: criteria provided, single submitter. Criteria: Invitae Variant Classification Sherloc (09022015). Collection method: clinical testing. Allele origin: germline.
Comment: This sequence change replaces glycine, which is neutral and non-polar, with glutamic acid, which is acidic and polar, at codon 1479 of the COL4A5 protein (p.Gly1479Glu). This variant is not present in population databases (gnomAD no frequency). This variant has not been reported in the literature in individuals affected with COL4A5-related conditions. ClinVar contains an entry for this variant (Variation ID: 2713212). Invitae Evidence Modeling of protein sequence and biophysical properties (such as structural, functional, and spatial information, amino acid conservation, physicochemical variation, residue mobility, and thermodynamic stability) has been performed for this missense variant. However, the output from this modeling did not meet the statistical confidence thresholds required to predict the impact of this variant on COL4A5 protein function. In summary, the available evidence is currently insufficient to determine the role of this variant in disease. Therefore, it has been classified as a Variant of Uncertain Significance.

NM_033380.3(COL4A5):c.4454G>A (p.Gly1485Glu)

Gene: COL4A5 (collagen type IV alpha 5 chain; plus strand). Cytogenetic location: Xq22.3.
Variant type: single nucleotide variant.
Coding change: c.4454G>A on transcript NM_033380.3 (MANE Select); coding-DNA position 4454, G replaced by A.
Protein change: p.Gly1485Glu; replaces glycine 1485 with glutamic acid.
Molecular consequence: missense variant.
Genome position (GRCh38, 1-based): chrX:108,687,620, G>A. VCF-style: chrX-108687620-G-A. GRCh37 (hg19) VCF-style: chrX-107930850-G-A.
Other names: c.4436G>A, p.Gly1479Glu (NM_000495.5); short protein forms G1479E, G1485E.
Identifiers: ClinVar variation 2713212 (VCV002713212.3), dbSNP rs2068573956, ClinGen allele CA413854488.